The following is an entry in ClinVar:

ClinVar aggregate classification (germline): Pathogenic (1 of 4 stars; one submission).

Submission:

Labcorp Genetics (formerly Invitae), Labcorp
Classification: Pathogenic. Last evaluated: 2025-12-27. Review status: criteria provided, single submitter. Criteria: Invitae Variant Classification Sherloc (09022015). Collection method: clinical testing. Allele origin: germline.
Comment: This sequence change creates a premature translational stop signal (p.Tyr505Glyfs*43) in the DLG3 gene. It is expected to result in an absent or disrupted protein product. Loss-of-function variants in DLG3 are known to be pathogenic (PMID: 15185169, 25649377). This variant is not present in population databases (gnomAD no frequency). This variant has not been reported in the literature in individuals affected with DLG3-related conditions. For these reasons, this variant has been classified as Pathogenic.

Literature cited by the submitters: PubMed 15185169; PubMed 25649377.

NM_021120.4(DLG3):c.1513_1519del (p.Tyr505fs)

Gene: DLG3 (discs large MAGUK scaffold protein 3; plus strand). Cytogenetic location: Xq13.1.
Variant type: Deletion.
Coding change: c.1513_1519del on transcript NM_021120.4 (MANE Select); coding-DNA positions 1513 to 1519, 7 bases deleted (TATGTCA; older notation c.1513_1519delTATGTCA).
Protein change: p.Tyr505fs; shifts the reading frame from tyrosine 505.
Molecular consequence: frameshift variant.
Genome position (GRCh38, 1-based): chrX:70,479,257-70,479,263, TATGTCA deleted. VCF-style (leftmost placement, unchanged base first): chrX-70479256-GTATGTCA-G. GRCh37 (hg19) VCF-style: chrX-69699106-GTATGTCA-G.
Other names: c.64_70del, p.Tyr22fs (NM_001166278.2); c.502_508del, p.Tyr168fs (NM_020730.3); short protein forms Y505fs, Y22fs, Y168fs.
Identifiers: ClinVar variation 4734248 (VCV004734248.1).